The following is an entry in ClinVar:

ClinVar aggregate classification (germline): Pathogenic/Likely pathogenic. Review status: criteria provided, multiple submitters, no conflicts (2 of 4 stars). 3 submissions from 3 submitters: Pathogenic (1); Likely pathogenic (1). 1 of the submissions does not count toward it. Last evaluated 2024-12-02.

Conditions:
OCA2-related disorder. Also called: OCA2-related condition.

Allele frequency attached by ClinVar (database versions not stated): gnomAD 0.00002; TOPMed 0.00002.

Submissions (3):

Labcorp Genetics (formerly Invitae), Labcorp
Classification: Pathogenic. Last evaluated: 2024-12-02. Review status: criteria provided, single submitter. Criteria: Invitae Variant Classification Sherloc (09022015). Collection method: clinical testing. Allele origin: germline.
Comment: This sequence change affects a donor splice site in intron 9 of the OCA2 gene. It is expected to disrupt RNA splicing. Variants that disrupt the donor or acceptor splice site typically lead to a loss of protein function (PMID: 16199547), and loss-of-function variants in OCA2 are known to be pathogenic (PMID: 19865097, 21541274). This variant is present in population databases (no rsID available, gnomAD 0.01%). Disruption of this splice site has been observed in individuals with clinical features of oculocutaneous albinism (PMID: 26818737; internal data). ClinVar contains an entry for this variant (Variation ID: 1436215). Algorithms developed to predict the effect of sequence changes on RNA splicing suggest that this variant may disrupt the consensus splice site. For these reasons, this variant has been classified as Pathogenic.

Blueprint Genetics
Classification: Likely pathogenic for OCA2-related disorders. Last evaluated: 2017-09-27. Review status: criteria provided, single submitter. Criteria: ACMG Guidelines, 2015. Collection method: clinical testing. Allele origin: germline. Affected: yes. Observed: 2 variant alleles.

PreventionGenetics, part of Exact Sciences
Classification: Likely pathogenic for OCA2-related condition. Last evaluated: 2024-07-22. Review status: no assertion criteria provided. Collection method: clinical testing. Allele origin: germline. Not counted in ClinVar's aggregate classification.
Comment: The OCA2 c.1044+2T>C variant is predicted to disrupt the GT donor site and interfere with normal splicing. To our knowledge, this variant has not been reported in the literature. A different variant that affects this same splice site (c.1044+1G>T) has been reported in the homozygous state in an individual with oculocutaneous albinism (Khordadpoor-Deilamani et al. 2016. PubMed ID: 26818737). This variant is reported in 0.012% of alleles in individuals of African descent in gnomAD. Variants that disrupt the consensus splice donor site in OCA2 are expected to be pathogenic. Given the evidence, we interpret this variant as likely pathogenic.

Literature cited by the submitters: PubMed 16199547 (cited by Labcorp Genetics (formerly Invitae), Labcorp); PubMed 19865097 (cited by Labcorp Genetics (formerly Invitae), Labcorp); PubMed 21541274 (cited by Labcorp Genetics (formerly Invitae), Labcorp); PubMed 26818737 (cited by Labcorp Genetics (formerly Invitae), Labcorp).

NM_000275.3(OCA2):c.1044+2T>C

Gene: OCA2 (OCA2 melanosomal transmembrane protein; minus strand). Cytogenetic location: 15q13.1.
Variant type: single nucleotide variant.
Coding change: c.1044+2T>C on transcript NM_000275.3 (MANE Select); the canonical splice donor site of the intron after coding-DNA position 1044, T replaced by C.
Molecular consequence: splice donor variant.
Genome position (GRCh38, 1-based): chr15:28,014,774, A>G on the plus strand (T>C on the coding strand, the complement: OCA2 is on the minus strand). VCF-style: chr15-28014774-A-G. GRCh37 (hg19) VCF-style: chr15-28259920-A-G.
Other names: c.1044+2T>C (NM_000275.2, NM_001300984.2).
Identifiers: ClinVar variation 1436215 (VCV001436215.8), dbSNP rs1368074390, ClinGen allele CA391364804.
Genomic context (GRCh38, chr15:28,014,774, plus strand): 5'-CGGATCTCAAGCCTCCCTGACTGTGGGCCCAGACAGATCGGGGGAGCAGGTGTGAAAGTT[A>G]CCTCAAATATGATCAGCGCGTAGACGCCCGCGAGGATGGCCGTCGCGATGGTCACCTGGG-3'